The following is an entry in ClinVar:

NM_153704.6(TMEM67):c.978+5A>G

Gene: TMEM67 (transmembrane protein 67; plus strand). Cytogenetic location: 8q22.1.
Variant type: single nucleotide variant.
Coding change: c.978+5A>G on transcript NM_153704.6 (MANE Select); 5 bases into the intron after coding-DNA position 978, A replaced by G.
Molecular consequence: intron variant.
Genome position (GRCh38, 1-based): chr8:93,780,987, A>G. VCF-style: chr8-93780987-A-G. GRCh37 (hg19) VCF-style: chr8-94793215-A-G.
Other names: c.735+5A>G (NM_001142301.1).
Identifiers: ClinVar variation 1879718 (VCV001879718.29), dbSNP rs1022082198, ClinGen allele CA2580079042.

ClinVar aggregate classification (germline): Uncertain significance (1 of 4 stars; one submission).

Submission:

CeGaT Center for Human Genetics Tuebingen
Classification: Uncertain significance. Last evaluated: 2022-11-01. Review status: criteria provided, single submitter. Criteria: CeGaT Center For Human Genetics Tuebingen Variant Classification Criteria Version 2. Collection method: clinical testing. Allele origin: germline. Affected: yes. Observed: 1 variant allele.
Comment: TMEM67: PM2, BP4